The following is an entry in ClinVar:

NM_005157.6(ABL1):c.2905G>T (p.Ala969Ser)

Gene: ABL1 (ABL proto-oncogene 1, non-receptor tyrosine kinase; plus strand). Cytogenetic location: 9q34.12.
Variant type: single nucleotide variant.
Coding change: c.2905G>T on transcript NM_005157.6 (MANE Select); coding-DNA position 2905, G replaced by T.
Protein change: p.Ala969Ser; replaces alanine 969 with serine.
Molecular consequence: missense variant.
Genome position (GRCh38, 1-based): chr9:130,885,195, G>T. VCF-style: chr9-130885195-G-T. GRCh37 (hg19) VCF-style: chr9-133760582-G-T.
Other names: c.2962G>T, p.Ala988Ser (NM_007313.3); short protein forms A969S, A988S.
Identifiers: ClinVar variation 4996318 (VCV004996318.1).

ClinVar aggregate classification (germline): Uncertain significance (1 of 4 stars; one submission).

Conditions:
ABL1-related disorder. Also called: ABL1-related condition.

Submission:

PreventionGenetics, part of Exact Sciences
Classification: Uncertain significance for ABL1-related condition. Last evaluated: 2025-09-22. Review status: criteria provided, single submitter. Criteria: ACMG Guidelines, 2015. Collection method: clinical testing. Allele origin: germline.
Comment: The ABL1 c.2962G>T variant is predicted to result in the amino acid substitution p.Ala988Ser. To our knowledge, this variant has not been reported in the literature or in a large population database (gnomAD), indicating this variant is rare. At this time, the clinical significance of this variant is uncertain due to the absence of conclusive functional and genetic evidence.